The following is an entry in ClinVar:

ClinVar aggregate classification (germline): Uncertain significance (0 of 4 stars; one submission).

Conditions:
POMC-related disorder. Also called: POMC-related disorders; POMC-related condition.

Submission:

PreventionGenetics, part of Exact Sciences
Classification: Uncertain significance for POMC-related condition. Last evaluated: 2023-12-09. Review status: no assertion criteria provided. Collection method: clinical testing. Allele origin: germline.
Comment: The POMC c.302G>C variant is predicted to result in the amino acid substitution p.Gly101Ala. To our knowledge, this variant has not been reported in the literature or in a large population database, indicating this variant is rare. At this time, the clinical significance of this variant is uncertain due to the absence of conclusive functional and genetic evidence.

NM_000939.4(POMC):c.302G>C (p.Gly101Ala)

Gene: POMC (proopiomelanocortin; minus strand). Cytogenetic location: 2p23.3.
Variant type: single nucleotide variant.
Coding change: c.302G>C on transcript NM_000939.4 (MANE Select); coding-DNA position 302, G replaced by C.
Protein change: p.Gly101Ala; replaces glycine 101 with alanine.
Molecular consequence: missense variant.
Genome position (GRCh38, 1-based): chr2:25,161,583, C>G on the plus strand (G>C on the coding strand, the complement: POMC is on the minus strand). VCF-style: chr2-25161583-C-G. GRCh37 (hg19) VCF-style: chr2-25384452-C-G.
Other names: c.302G>C, p.Gly101Ala (NM_001035256.3, NM_001319204.2, NM_001319205.2); short protein forms G101A.
Identifiers: ClinVar variation 3354335 (VCV003354335.1).